The following is an entry in ClinVar:

ClinVar aggregate classification (germline): Uncertain significance (1 of 4 stars; one submission).

Allele frequency attached by ClinVar (database versions not stated): gnomAD 0.00001; TOPMed 0.00001.
gnomAD v4.1: 23 of 1,613,332 alleles (0.0014%); highest among the groups gnomAD compares: African/African-American, 0.0027%; no homozygotes.

Submission:

GeneDx
Classification: Uncertain significance. Last evaluated: 2024-07-08. Review status: criteria provided, single submitter. Criteria: GeneDx Variant Classification Process June 2021. Collection method: clinical testing. Allele origin: germline. Affected: yes.
Comment: Not observed at significant frequency in large population cohorts (gnomAD); In silico analysis supports that this missense variant has a deleterious effect on protein structure/function; Has not been previously published as pathogenic or benign to our knowledge; In silico analysis is inconclusive as to whether the variant alters gene splicing. In the absence of RNA/functional studies, the actual effect of this sequence change is unknown.

NM_001130021.3(ATP6V0A1):c.1483C>T (p.Arg495Trp)

Gene: ATP6V0A1 (ATPase H+ transporting V0 subunit a1; plus strand). Cytogenetic location: 17q21.2.
Variant type: single nucleotide variant.
Coding change: c.1483C>T on transcript NM_001130021.3 (MANE Select); coding-DNA position 1483, C replaced by T.
Protein change: p.Arg495Trp; replaces arginine 495 with tryptophan.
Molecular consequence: missense variant. On other transcripts: intron variant (1).
Genome position (GRCh38, 1-based): chr17:42,495,639, C>T. VCF-style: chr17-42495639-C-T. GRCh37 (hg19) VCF-style: chr17-40647657-C-T.
Other names: c.1504C>T, p.Arg502Trp (NM_001130020.3, NM_001378522.1, NM_001378523.1 and 3 more transcripts); c.1606C>T, p.Arg536Trp (NM_001378530.1, NM_001378533.1, NM_001378551.1 and 1 more transcripts); c.1627C>T, p.Arg543Trp (NM_001378531.1, NM_001378532.1); c.1483C>T, p.Arg495Trp (NM_001378535.1, NM_001378537.1, NM_001378542.1 and 3 more transcripts); c.1375C>T, p.Arg459Trp (NM_001378536.1, NM_001378550.1, NM_001378556.1); c.1354C>T, p.Arg452Trp (NM_001378538.1, NM_001378540.1); c.1324C>T, p.Arg442Trp (NM_001378543.1, NM_001378553.1); c.1273C>T, p.Arg425Trp (NM_001378545.1, NM_001378554.1, NM_001378555.1); and 3 more; short protein forms R424W, R425W, R435W, R442W, R452W, R459W, R495W, R502W.
Identifiers: ClinVar variation 2574223 (VCV002574223.2), dbSNP rs781278654, ClinGen allele CA290762663.
Genomic context (GRCh38, chr17:42,495,639, plus strand): 5'-TCCCTCTCTTGTTCAAAAATAATGTGACTTTTTCCCTGTCATGGTAGTGAAGAGACGCTT[C>T]GGGGGAACCCTGTTCTACAGCTGAACCCAGCCCTCCCTGGAGTGTTTGGTGGACCATACC-3'
Protein context (NP_001123493.1, residues 485-505): FTYNWTEETL[Arg495Trp]GNPVLQLNPA